The following is an entry in ClinVar:

NM_000198.4(HSD3B2):c.664C>A (p.Pro222Thr)

Gene: HSD3B2 (hydroxy-delta-5-steroid dehydrogenase, 3 beta- and steroid delta-isomerase 2; plus strand). Cytogenetic location: 1p12.
Variant type: single nucleotide variant.
Coding change: c.664C>A on transcript NM_000198.4 (MANE Select); coding-DNA position 664, C replaced by A.
Protein change: p.Pro222Thr; replaces proline 222 with threonine.
Molecular consequence: missense variant.
Genome position (GRCh38, 1-based): chr1:119,422,165, C>A. VCF-style: chr1-119422165-C-A. GRCh37 (hg19) VCF-style: chr1-119964788-C-A.
Other names: c.664C>A (NM_000198.3); c.664C>A, p.Pro222Thr (NM_001166120.2); short protein forms P222T.
Identifiers: ClinVar variation 12191 (VCV000012191.6), dbSNP rs80358220, ClinGen allele CA121933.

ClinVar aggregate classification (germline): Pathogenic. Review status: criteria provided, multiple submitters, no conflicts (2 of 4 stars). 3 submissions from 3 submitters: Pathogenic (2). 1 of the submissions does not count toward it. Last evaluated 2022-06-29.

Conditions:
Congenital adrenal hyperplasia. Identifiers: Orphanet 418, MedGen C0001627, MONDO:0018479, HP:0008258.
3 beta-Hydroxysteroid dehydrogenase deficiency. Also called: ADRENAL HYPERPLASIA, CONGENITAL, DUE TO 3-BETA-HYDROXYSTEROID DEHYDROGENASE 2 DEFICIENCY; Congenital adrenal hyperplasia due to 3-beta-hydroxysteroid dehydrogenase deficiency; 3-BETA-HSD DEFICIENCY; ADRENAL HYPERPLASIA II; 3b-hydroxysteroid dehydrogenase deficiency. Identifiers: Orphanet 90791, MedGen C0342471, MeSH C538236, MONDO:0008727, OMIM 201810. Disease mechanism: loss of function.

Allele frequency attached by ClinVar (database versions not stated): gnomAD exomes below 0.00001; TOPMed below 0.00001.
gnomAD v4.1: 1 of 1,614,052 alleles (0.000062%); highest among the groups gnomAD compares: Non-Finnish European, 0.000085%; no homozygotes.

Submissions (3):

Women's Health and Genetics/Laboratory Corporation of America, LabCorp
Classification: Pathogenic for Congenital adrenal hyperplasia. Last evaluated: 2022-06-29. Review status: criteria provided, single submitter. Criteria: LabCorp Variant Classification Summary - May 2015. Collection method: clinical testing. Allele origin: germline.
Comment: Variant summary: HSD3B2 c.664C>A (p.Pro222Thr) results in a non-conservative amino acid change located in the 3-beta hydroxysteroid dehydrogenase/isomerase domain (IPR002225) of the encoded protein sequence. Four of five in-silico tools predict a damaging effect of the variant on protein function. The variant was absent in 251214 control chromosomes. c.664C>A has been reported in the literature as a homozygous genotype in at-least two individuals affected with classic salt wasting phenotype of 3-beta-hydroxysteroid dehydrogenase deficiency Congenital Adrenal Hyperplasia with subsequent citations by others (example, Pang_2002, Lutfallah_2002, Baquedano_2018, Baronio_2019, Al Alawi_2019, Guran_2020). These data indicate that the variant is likely to be associated with disease. At least one publication reports experimental evidence evaluating an impact on protein function (example, Pang_2002). The most pronounced variant effect results in undetectable levels of normal enzyme activity in vitro using pregnenolone and dehydroepiandrosterone as substrates. One clinical diagnostic laboratory has submitted clinical-significance assessments for this variant to ClinVar after 2014 without evidence for independent evaluation and classified the variant as pathogenic. Based on the evidence outlined above, the variant was classified as pathogenic.

Revvity Omics, Revvity
Classification: Pathogenic for 3 beta-Hydroxysteroid dehydrogenase deficiency. Last evaluated: 2021-09-06. Review status: criteria provided, single submitter. Criteria: ACMG Guidelines, 2015. Collection method: clinical testing. Allele origin: germline.

OMIM
Classification: Pathogenic for ADRENAL HYPERPLASIA, CONGENITAL, DUE TO 3-BETA-HYDROXYSTEROID DEHYDROGENASE 2 DEFICIENCY. Last evaluated: 2002-06-01. Review status: no assertion criteria provided. Collection method: literature only. Allele origin: germline. Not counted in ClinVar's aggregate classification.

Literature cited by the submitters: PubMed 12050224 (cited by Women's Health and Genetics/Laboratory Corporation of America, LabCorp); PubMed 30719691 (cited by Women's Health and Genetics/Laboratory Corporation of America, LabCorp); PubMed 30029738 (cited by Women's Health and Genetics/Laboratory Corporation of America, LabCorp); PubMed 31533357 (cited by Women's Health and Genetics/Laboratory Corporation of America, LabCorp); PubMed 31950145 (cited by Women's Health and Genetics/Laboratory Corporation of America, LabCorp); PubMed 12050213 (cited by Women's Health and Genetics/Laboratory Corporation of America, LabCorp and OMIM); PubMed 22579964 (cited by Women's Health and Genetics/Laboratory Corporation of America, LabCorp).